The following is an entry in ClinVar:

NM_001211.6(BUB1B):c.2811A>C (p.Glu937Asp)

Genes: BUB1B (BUB1 mitotic checkpoint serine/threonine kinase B; plus strand), BUB1B-PAK6 (BUB1B-PAK6 readthrough; plus strand). Cytogenetic location: 15q15.1.
Variant type: single nucleotide variant.
Coding change: c.2811A>C on transcript NM_001211.6 (MANE Select); coding-DNA position 2811, A replaced by C.
Protein change: p.Glu937Asp; replaces glutamic acid 937 with aspartic acid.
Molecular consequence: missense variant. On other transcripts: 5 prime UTR variant (2).
Genome position (GRCh38, 1-based): chr15:40,217,628, A>C. VCF-style: chr15-40217628-A-C. GRCh37 (hg19) VCF-style: chr15-40509829-A-C.
Other names: c.-240A>C (NM_001128628.3); c.-157A>C (NM_001128629.3); short protein forms E937D.
Identifiers: ClinVar variation 1796333 (VCV001796333.2), dbSNP rs2542585066, ClinGen allele CA391688069.

ClinVar aggregate classification (germline): Uncertain significance (1 of 4 stars; one submission).

Conditions:
Inborn genetic diseases. Identifiers: MedGen C0950123, MeSH D030342.

Submission:

Ambry Genetics
Classification: Uncertain significance for Inborn genetic diseases. Last evaluated: 2021-09-09. Review status: criteria provided, single submitter. Criteria: Ambry Variant Classification Scheme 2023. Collection method: clinical testing. Allele origin: germline.
Comment: The p.E937D variant (also known as c.2811A>C), located in coding exon 21 of the BUB1B gene, results from an A to C substitution at nucleotide position 2811. The glutamic acid at codon 937 is replaced by aspartic acid, an amino acid with highly similar properties. This amino acid position is conserved. In addition, this alteration is predicted to be tolerated by in silico analysis. Since supporting evidence is limited at this time, the clinical significance of this alteration remains unclear.